The following is an entry in ClinVar:

NM_004360.5(CDH1):c.277A>T (p.Asn93Tyr)

Gene: CDH1 (cadherin 1; plus strand). Cytogenetic location: 16q22.1.
Variant type: single nucleotide variant.
Coding change: c.277A>T on transcript NM_004360.5 (MANE Select); coding-DNA position 277, A replaced by T.
Protein change: p.Asn93Tyr; replaces asparagine 93 with tyrosine.
Molecular consequence: missense variant. On other transcripts: 5 prime UTR variant (2).
Genome position (GRCh38, 1-based): chr16:68,801,783, A>T. VCF-style: chr16-68801783-A-T. GRCh37 (hg19) VCF-style: chr16-68835686-A-T.
Other names: c.277A>T, p.Asn93Tyr (NM_001317184.2); c.-1339A>T (NM_001317185.2); c.-1543A>T (NM_001317186.2); short protein forms N93Y.
Identifiers: ClinVar variation 971098 (VCV000971098.10), dbSNP rs1960514281, ClinGen allele CA396457291.

ClinVar aggregate classification (germline): Uncertain significance (1 of 4 stars; one submission).

Conditions:
Hereditary diffuse gastric adenocarcinoma (HDGC). Also called: DIFFUSE GASTRIC AND LOBULAR BREAST CANCER SYNDROME. Identifiers: Orphanet 26106, MedGen C1708349, MONDO:0007648, OMIM 137215.

Allele frequency attached by ClinVar (database versions not stated): gnomAD exomes below 0.00001.
gnomAD v4.1: 1 of 1,614,240 alleles (0.000062%); highest among the groups gnomAD compares: Non-Finnish European, 0.000085%; no homozygotes.

Submission:

Labcorp Genetics (formerly Invitae), Labcorp
Classification: Uncertain significance for Hereditary diffuse gastric adenocarcinoma. Last evaluated: 2019-11-12. Review status: criteria provided, single submitter. Criteria: Invitae Variant Classification Sherloc (09022015). Collection method: clinical testing. Allele origin: germline.
Comment: This sequence change replaces asparagine with tyrosine at codon 93 of the CDH1 protein (p.Asn93Tyr). The asparagine residue is weakly conserved and there is a large physicochemical difference between asparagine and tyrosine. In summary, the available evidence is currently insufficient to determine the role of this variant in disease. Therefore, it has been classified as a Variant of Uncertain Significance. Algorithms developed to predict the effect of missense changes on protein structure and function are either unavailable or do not agree on the potential impact of this missense change (SIFT: "Tolerated"; PolyPhen-2: "Benign"; Align-GVGD: "Class C0"). This variant has not been reported in the literature in individuals with CDH1-related conditions. This variant is not present in population databases (ExAC no frequency).